The following is an entry in ClinVar:

NM_000552.5(VWF):c.7663C>G (p.Pro2555Ala)

Gene: VWF (von Willebrand factor; minus strand). Cytogenetic location: 12p13.31.
Variant type: single nucleotide variant.
Coding change: c.7663C>G on transcript NM_000552.5 (MANE Select); coding-DNA position 7663, C replaced by G.
Protein change: p.Pro2555Ala; replaces proline 2555 with alanine.
Molecular consequence: missense variant.
Genome position (GRCh38, 1-based): chr12:5,969,277, G>C on the plus strand (C>G on the coding strand, the complement: VWF is on the minus strand). VCF-style: chr12-5969277-G-C. GRCh37 (hg19) VCF-style: chr12-6078443-G-C.
Other names: short protein forms P2555A.
Identifiers: ClinVar variation 4685860 (VCV004685860.1).

ClinVar aggregate classification (germline): Uncertain significance (1 of 4 stars; one submission).

gnomAD v4.1: 6 of 1,614,182 alleles (0.00037%); highest among the groups gnomAD compares: Non-Finnish European, 0.00051%; no homozygotes.

Submission:

ARUP Laboratories, Molecular Genetics and Genomics, ARUP Laboratories
Classification: Uncertain significance. Last evaluated: 2025-06-04. Review status: criteria provided, single submitter. Criteria: ARUP Molecular Germline Variant Investigation Process 2024. Collection method: clinical testing. Allele origin: germline.
Comment: The VWF c.7663C>G; p.Pro2555Ala variant (rs1943441751), to our knowledge, is not reported in the medical literature or gene specific databases. This variant is also absent from the Genome Aggregation Database (v2.1.1), indicating it is not a common polymorphism. Computational analyses are uncertain whether this variant is neutral or deleterious (REVEL: 0.154). Due to limited information, the clinical significance of this variant is uncertain at this time.